The following is an entry in ClinVar:

NM_000384.3(APOB):c.3461C>G (p.Ala1154Gly)

Gene: APOB (apolipoprotein B; minus strand). Cytogenetic location: 2p24.1.
Variant type: single nucleotide variant.
Coding change: c.3461C>G on transcript NM_000384.3 (MANE Select); coding-DNA position 3461, C replaced by G.
Protein change: p.Ala1154Gly; replaces alanine 1154 with glycine.
Molecular consequence: missense variant.
Genome position (GRCh38, 1-based): chr2:21,015,417, G>C on the plus strand (C>G on the coding strand, the complement: APOB is on the minus strand). VCF-style: chr2-21015417-G-C. GRCh37 (hg19) VCF-style: chr2-21238289-G-C.
Other names: short protein forms A1154G.
Identifiers: ClinVar variation 2945990 (VCV002945990.3), dbSNP rs2465387976, ClinGen allele CA346009035.
Genomic context (GRCh38, chr2:21,015,417, plus strand): 5'-AAGAGACACATACCATAATGCCATGCCACCCTCTTGGAAACTGTGGAGCCATAAGCTGTA[G>C]CAGATGAGTCCATTTGGAGAAGCAGTTTGGCAGGCGACCAGTGGGCGAGGATCTCACTTC-3'
Protein context (NP_000375.3, residues 1144-1164): AKLLLQMDSS[Ala1154Gly]TAYGSTVSKR

ClinVar aggregate classification (germline): Uncertain significance (1 of 4 stars; one submission).

Conditions:
Familial hypobetalipoproteinemia 1. Also called: APOB-Related Familial Hypobetalipoproteinemia; Hypobetalipoproteinemia, normotriglyceridemic; Acanthocytosis with hypobetalipoproteinemia. Identifiers: MedGen C4551990, MONDO:0014252, OMIM 615558.
Hypercholesterolemia, autosomal dominant, type B (FHCL2). Also called: Familial Hypercholesterolemia Type B; APOLIPOPROTEIN B-100, FAMILIAL DEFECTIVE; APOLIPOPROTEIN B-100, FAMILIAL LIGAND-DEFECTIVE; HYPERCHOLESTEROLEMIA, FAMILIAL, DUE TO LIGAND-DEFECTIVE APOLIPOPROTEIN B; Hyperlipoproteinemia Type IIb; Familial hypercholesterolemia 2. Identifiers: MedGen C1704417, MONDO:0007751, OMIM 144010.

Submission:

Labcorp Genetics (formerly Invitae), Labcorp
Classification: Uncertain significance for Familial hypobetalipoproteinemia 1; Hypercholesterolemia, autosomal dominant, type B. Last evaluated: 2023-03-30. Review status: criteria provided, single submitter. Criteria: Invitae Variant Classification Sherloc (09022015). Collection method: clinical testing. Allele origin: germline.
Comment: In summary, the available evidence is currently insufficient to determine the role of this variant in disease. Therefore, it has been classified as a Variant of Uncertain Significance. Advanced modeling of protein sequence and biophysical properties (such as structural, functional, and spatial information, amino acid conservation, physicochemical variation, residue mobility, and thermodynamic stability) performed at Invitae indicates that this missense variant is not expected to disrupt APOB protein function. This variant has not been reported in the literature in individuals affected with APOB-related conditions. This variant is not present in population databases (gnomAD no frequency). This sequence change replaces alanine, which is neutral and non-polar, with glycine, which is neutral and non-polar, at codon 1154 of the APOB protein (p.Ala1154Gly).